The following is an entry in ClinVar:

ClinVar aggregate classification (germline): Uncertain significance (1 of 4 stars; one submission).

Allele frequency attached by ClinVar (database versions not stated): TOPMed below 0.00001; ExAC 0.00001.

Submission:

Labcorp Genetics (formerly Invitae), Labcorp
Classification: Uncertain significance. Last evaluated: 2023-11-04. Review status: criteria provided, single submitter. Criteria: Invitae Variant Classification Sherloc (09022015). Collection method: clinical testing. Allele origin: germline.
Comment: This sequence change replaces alanine, which is neutral and non-polar, with threonine, which is neutral and polar, at codon 16 of the CHCHD2 protein (p.Ala16Thr). This variant is present in population databases (rs775199912, gnomAD 0.002%). This variant has not been reported in the literature in individuals affected with CHCHD2-related conditions. Experimental studies and prediction algorithms are not available or were not evaluated, and the functional significance of this variant is currently unknown. In summary, the available evidence is currently insufficient to determine the role of this variant in disease. Therefore, it has been classified as a Variant of Uncertain Significance.

NM_016139.4(CHCHD2):c.46G>A (p.Ala16Thr)

Genes: CHCHD2 (coiled-coil-helix-coiled-coil-helix domain containing 2; minus strand), LOC129998502 (ATAC-STARR-seq lymphoblastoid active region 26053; plus strand). Cytogenetic location: 7p11.2.
Variant type: single nucleotide variant.
Coding change: c.46G>A on transcript NM_016139.4 (MANE Select); coding-DNA position 46, G replaced by A.
Protein change: p.Ala16Thr; replaces alanine 16 with threonine.
Molecular consequence: missense variant.
Genome position (GRCh38, 1-based): chr7:56,106,368, C>T on the plus strand (G>A on the coding strand, the complement: CHCHD2 is on the minus strand). VCF-style: chr7-56106368-C-T. GRCh37 (hg19) VCF-style: chr7-56174061-C-T.
Other names: c.46G>A, p.Ala16Thr (NM_001320327.2); short protein forms A16T.
Identifiers: ClinVar variation 2914692 (VCV002914692.3), dbSNP rs775199912, ClinGen allele CA4270618.